The following is an entry in ClinVar:

ClinVar aggregate classification (germline): Uncertain significance (1 of 4 stars; one submission).

Conditions:
Myofibrillar myopathy 5. Also called: FILAMINOPATHY, AUTOSOMAL DOMINANT; Filaminopathy (type). Identifiers: Orphanet 171445, MedGen C1836050, MONDO:0012289, OMIM 609524.
Distal myopathy with posterior leg and anterior hand involvement. Also called: WILLIAMS DISTAL MYOPATHY. Identifiers: Orphanet 63273, MedGen C3279722, MONDO:0013550, OMIM 614065.
Hypertrophic cardiomyopathy 26. Also called: Cardiomyopathy, familial hypertrophic, 26. Identifiers: Orphanet 75249, MedGen C4310749, MONDO:0014883, OMIM 617047.

Allele frequency attached by ClinVar (database versions not stated): gnomAD exomes below 0.00001.
gnomAD v4.1: 1 of 1,614,174 alleles (0.000062%); highest among the groups gnomAD compares: Non-Finnish European, 0.000085%; no homozygotes.

Submission:

Labcorp Genetics (formerly Invitae), Labcorp
Classification: Uncertain significance for Distal myopathy with posterior leg and anterior hand involvement; Myofibrillar myopathy 5; Hypertrophic cardiomyopathy 26. Last evaluated: 2023-11-27. Review status: criteria provided, single submitter. Criteria: Invitae Variant Classification Sherloc (09022015). Collection method: clinical testing. Allele origin: germline.
Comment: This sequence change replaces isoleucine, which is neutral and non-polar, with valine, which is neutral and non-polar, at codon 1704 of the FLNC protein (p.Ile1704Val). This variant is not present in population databases (gnomAD no frequency). This variant has not been reported in the literature in individuals affected with FLNC-related conditions. ClinVar contains an entry for this variant (Variation ID: 1438670). Advanced modeling of protein sequence and biophysical properties (such as structural, functional, and spatial information, amino acid conservation, physicochemical variation, residue mobility, and thermodynamic stability) has been performed at Invitae for this missense variant, however the output from this modeling did not meet the statistical confidence thresholds required to predict the impact of this variant on FLNC protein function. In summary, the available evidence is currently insufficient to determine the role of this variant in disease. Therefore, it has been classified as a Variant of Uncertain Significance.

NM_001458.5(FLNC):c.5110A>G (p.Ile1704Val)

Gene: FLNC (filamin C; plus strand). Cytogenetic location: 7q32.1.
Variant type: single nucleotide variant.
Coding change: c.5110A>G on transcript NM_001458.5 (MANE Select); coding-DNA position 5110, A replaced by G.
Protein change: p.Ile1704Val; replaces isoleucine 1704 with valine.
Molecular consequence: missense variant.
Genome position (GRCh38, 1-based): chr7:128,849,489, A>G. VCF-style: chr7-128849489-A-G. GRCh37 (hg19) VCF-style: chr7-128489543-A-G.
Other names: c.5110A>G, p.Ile1704Val (NM_001127487.2); short protein forms I1704V.
Identifiers: ClinVar variation 1438670 (VCV001438670.6), dbSNP rs2128937827, ClinGen allele CA369204203.